The following is an entry in ClinVar:

NM_000260.4(MYO7A):c.4762G>A (p.Glu1588Lys)

Gene: MYO7A (myosin VIIA; plus strand). Cytogenetic location: 11q13.5.
Variant type: single nucleotide variant.
Coding change: c.4762G>A on transcript NM_000260.4 (MANE Select); coding-DNA position 4762, G replaced by A.
Protein change: p.Glu1588Lys; replaces glutamic acid 1588 with lysine.
Molecular consequence: missense variant.
Genome position (GRCh38, 1-based): chr11:77,199,728, G>A. VCF-style: chr11-77199728-G-A. GRCh37 (hg19) VCF-style: chr11-76910773-G-A.
Other names: c.4648G>A, p.Glu1550Lys (NM_001127180.2); c.4615G>A, p.Glu1539Lys (NM_001369365.1); short protein forms E1550K, E1539K, E1588K.
Identifiers: ClinVar variation 880608 (VCV000880608.11), dbSNP rs1181067492, ClinGen allele CA381950879.
Genomic context (GRCh38, chr11:77,199,728, plus strand): 5'-CCCAGCTTCACGCTGGCCACCATCAAGGGGGACGAATACACCTTCACCTCCAGCAATGCT[G>A]AGGACATTCGTGACCTGGTGGTCACCTTCCTAGAGGGGCTCCGGAAGAGATCTAAGTATG-3'
Protein context (NP_000251.3, residues 1578-1598): DEYTFTSSNA[Glu1588Lys]DIRDLVVTFL

ClinVar aggregate classification (germline): Uncertain significance. Review status: criteria provided, multiple submitters, no conflicts (2 of 4 stars). 5 submissions from 3 submitters: Uncertain significance (5). Last evaluated 2022-05-27.

Conditions:
Usher syndrome type 1 (USH1). Also called: RETINITIS PIGMENTOSA AND CONGENITAL DEAFNESS. Identifiers: Orphanet 231169, Orphanet 886, MedGen C1568247, MONDO:0010168, OMIM 276900.
Autosomal recessive nonsyndromic hearing loss 2. Also called: NEUROSENSORY NONSYNDROMIC RECESSIVE DEAFNESS 2; DEAFNESS, AUTOSOMAL RECESSIVE 2. Identifiers: Orphanet 90636, MedGen C1838701, MONDO:0010807, OMIM 600060.
Autosomal dominant nonsyndromic hearing loss 11. Identifiers: Orphanet 90635, MedGen C1832475, MONDO:0011032, OMIM 601317.

Allele frequency attached by ClinVar (database versions not stated): TOPMed 0.00001; gnomAD exomes below 0.00001 and 0.00001.

Submissions (5):

Blueprint Genetics
Classification: Uncertain significance. Last evaluated: 2022-05-27. Review status: criteria provided, single submitter. Criteria: ACMG Guidelines, 2015. Collection method: clinical testing. Allele origin: germline.

Labcorp Genetics (formerly Invitae), Labcorp
Classification: Uncertain significance. Last evaluated: 2022-02-09. Review status: criteria provided, single submitter. Criteria: Invitae Variant Classification Sherloc (09022015). Collection method: clinical testing. Allele origin: germline.
Comment: This sequence change replaces glutamic acid, which is acidic and polar, with lysine, which is basic and polar, at codon 1588 of the MYO7A protein (p.Glu1588Lys). This variant is present in population databases (no rsID available, gnomAD 0.006%). This variant has not been reported in the literature in individuals affected with MYO7A-related conditions. ClinVar contains an entry for this variant (Variation ID: 880608). Advanced modeling of protein sequence and biophysical properties (such as structural, functional, and spatial information, amino acid conservation, physicochemical variation, residue mobility, and thermodynamic stability) performed at Invitae indicates that this missense variant is not expected to disrupt MYO7A protein function. In summary, the available evidence is currently insufficient to determine the role of this variant in disease. Therefore, it has been classified as a Variant of Uncertain Significance.

Illumina Laboratory Services, Illumina
Classification: Uncertain significance for Autosomal dominant nonsyndromic hearing loss 11. Last evaluated: 2018-01-12. Review status: criteria provided, single submitter. Criteria: ICSL Variant Classification Criteria 13 December 2019. Collection method: clinical testing. Allele origin: germline.

Illumina Laboratory Services, Illumina
Classification: Uncertain significance for Autosomal recessive nonsyndromic hearing loss 2. Last evaluated: 2018-01-12. Review status: criteria provided, single submitter. Criteria: ICSL Variant Classification Criteria 13 December 2019. Collection method: clinical testing. Allele origin: germline.

Illumina Laboratory Services, Illumina
Classification: Uncertain significance for Usher syndrome type 1. Last evaluated: 2018-01-12. Review status: criteria provided, single submitter. Criteria: ICSL Variant Classification Criteria 13 December 2019. Collection method: clinical testing. Allele origin: germline.